The following is an entry in ClinVar:

NM_001378457.1(DMXL2):c.8422A>G (p.Ser2808Gly)

Gene: DMXL2 (Dmx like 2; minus strand). Cytogenetic location: 15q21.2.
Variant type: single nucleotide variant.
Coding change: c.8422A>G on transcript NM_001378457.1 (MANE Select); coding-DNA position 8422, A replaced by G.
Protein change: p.Ser2808Gly; replaces serine 2808 with glycine.
Molecular consequence: missense variant. On other transcripts: non-coding transcript variant (2).
Genome position (GRCh38, 1-based): chr15:51,456,170, T>C on the plus strand (A>G on the coding strand, the complement: DMXL2 is on the minus strand). VCF-style: chr15-51456170-T-C. GRCh37 (hg19) VCF-style: chr15-51748367-T-C.
Other names: c.8359A>G, p.Ser2787Gly (NM_001174116.3); c.6448A>G, p.Ser2150Gly (NM_001174117.3); c.8419A>G, p.Ser2807Gly (NM_001378458.1); c.8134A>G, p.Ser2712Gly (NM_001378459.1); c.6337A>G, p.Ser2113Gly (NM_001378460.1); c.8356A>G, p.Ser2786Gly (NM_015263.5); short protein forms S2113G, S2150G, S2712G, S2786G, S2787G, S2807G, S2808G.
Identifiers: ClinVar variation 4883088 (VCV004883088.2).

ClinVar aggregate classification (germline): Uncertain significance (1 of 4 stars; one submission).

gnomAD v4.1: 1 of 1,614,112 alleles (0.000062%); highest among the groups gnomAD compares: East Asian, 0.0022%; no homozygotes.

Submission:

Dasa
Classification: Uncertain significance. Last evaluated: 2025-04-05. Review status: criteria provided, single submitter. Criteria: DASA Assertion Criteria. Collection method: clinical testing. Allele origin: germline.
Comment: NM_001378457.1(DMXL2):c.8422A>G (p.Ser2808Gly) is a missense variant that results in the substitution of serine with glycine. This variant is rare in population databases. The currently available literature and clinical evidence are not sufficient to establish a definitive association between this variant and the reported condition. Therefore, this variant is classified as a variant of uncertain significance.